The following is an entry in ClinVar:

NM_006415.4(SPTLC1):c.1048A>G (p.Ile350Val)

Gene: SPTLC1 (serine palmitoyltransferase long chain base subunit 1; minus strand). Cytogenetic location: 9q22.31.
Variant type: single nucleotide variant.
Coding change: c.1048A>G on transcript NM_006415.4 (MANE Select); coding-DNA position 1048, A replaced by G.
Protein change: p.Ile350Val; replaces isoleucine 350 with valine.
Molecular consequence: missense variant.
Genome position (GRCh38, 1-based): chr9:92,047,205, T>C on the plus strand (A>G on the coding strand, the complement: SPTLC1 is on the minus strand). VCF-style: chr9-92047205-T-C. GRCh37 (hg19) VCF-style: chr9-94809487-T-C.
Other names: c.1048A>G, p.Ile350Val (NM_001281303.2); c.682A>G, p.Ile228Val (NM_001368272.1); c.583A>G, p.Ile195Val (NM_001368273.1); short protein forms I228V, I350V, I195V.
Identifiers: ClinVar variation 2816430 (VCV002816430.3), dbSNP rs1259881836, ClinGen allele CA373792458.

ClinVar aggregate classification (germline): Uncertain significance (1 of 4 stars; one submission).

Conditions:
Hereditary sensory and autonomic neuropathy type 1 (HSAN1). Also called: HSAN 1; HSN Type I; Hereditary Sensory Neuropathy Type I. Identifiers: Orphanet 36386, MedGen C0020071, MONDO:0018213.

Allele frequency attached by ClinVar (database versions not stated): gnomAD exomes below 0.00001.
gnomAD v4.1: 4 of 1,614,124 alleles (0.00025%); highest among the groups gnomAD compares: Non-Finnish European, 0.00034%; no homozygotes.

Submission:

Labcorp Genetics (formerly Invitae), Labcorp
Classification: Uncertain significance for Hereditary sensory and autonomic neuropathy type 1. Last evaluated: 2022-11-24. Review status: criteria provided, single submitter. Criteria: Invitae Variant Classification Sherloc (09022015). Collection method: clinical testing. Allele origin: germline.
Comment: In summary, the available evidence is currently insufficient to determine the role of this variant in disease. Therefore, it has been classified as a Variant of Uncertain Significance. Advanced modeling of protein sequence and biophysical properties (such as structural, functional, and spatial information, amino acid conservation, physicochemical variation, residue mobility, and thermodynamic stability) performed at Invitae indicates that this missense variant is not expected to disrupt SPTLC1 protein function. This variant has not been reported in the literature in individuals affected with SPTLC1-related conditions. This variant is not present in population databases (gnomAD no frequency). This sequence change replaces isoleucine, which is neutral and non-polar, with valine, which is neutral and non-polar, at codon 350 of the SPTLC1 protein (p.Ile350Val).